The following is an entry in ClinVar:

ClinVar aggregate classification (germline): Uncertain significance (1 of 4 stars; one submission).

Conditions:
Catecholaminergic polymorphic ventricular tachycardia 1. Also called: RYR2-Related Catecholaminergic Polymorphic Ventricular Tachycardia; VENTRICULAR TACHYCARDIA, CATECHOLAMINERGIC POLYMORPHIC, 1, WITH OR WITHOUT ATRIAL DYSFUNCTION AND/OR DILATED CARDIOMYOPATHY; VENTRICULAR TACHYCARDIA, STRESS-INDUCED POLYMORPHIC 1. Identifiers: Orphanet 3286, MedGen C1631597, MONDO:0011484, OMIM 604772.

Submission:

Labcorp Genetics (formerly Invitae), Labcorp
Classification: Uncertain significance for Catecholaminergic polymorphic ventricular tachycardia 1. Last evaluated: 2022-04-28. Review status: criteria provided, single submitter. Criteria: Invitae Variant Classification Sherloc (09022015). Collection method: clinical testing. Allele origin: germline.
Comment: This sequence change replaces arginine, which is basic and polar, with leucine, which is neutral and non-polar, at codon 4822 of the RYR2 protein (p.Arg4822Leu). This variant is not present in population databases (gnomAD no frequency). In summary, the available evidence is currently insufficient to determine the role of this variant in disease. Therefore, it has been classified as a Variant of Uncertain Significance. Advanced modeling of protein sequence and biophysical properties (such as structural, functional, and spatial information, amino acid conservation, physicochemical variation, residue mobility, and thermodynamic stability) performed at Invitae indicates that this missense variant is expected to disrupt RYR2 protein function. This missense change has been observed in individual(s) with catecholaminergic polymorphic ventricular tachycardia (PMID: 31737537).

Literature cited by the submitters: PubMed 31737537.

NM_001035.3(RYR2):c.14465G>T (p.Arg4822Leu)

Gene: RYR2 (ryanodine receptor 2; plus strand). Cytogenetic location: 1q43.
Variant type: single nucleotide variant.
Coding change: c.14465G>T on transcript NM_001035.3 (MANE Select); coding-DNA position 14465, G replaced by T.
Protein change: p.Arg4822Leu; replaces arginine 4822 with leucine.
Molecular consequence: missense variant.
Genome position (GRCh38, 1-based): chr1:237,819,067, G>T. VCF-style: chr1-237819067-G-T. GRCh37 (hg19) VCF-style: chr1-237982367-G-T.
Other names: short protein forms R4822L.
Identifiers: ClinVar variation 1928161 (VCV001928161.5), dbSNP rs794728805, ClinGen allele CA345426077.
Genomic context (GRCh38, chr1:237,819,067, plus strand): 5'-CAAGAAGTGATACCATGTCTTTTTTCCAGTGCTATATGTTCCACATGTATGTTGGAGTTC[G>T]TGCTGGAGGAGGGATCGGGGATGAAATCGAAGACCCAGCAGGAGATGAATATGAGATCTA-3'
Protein context (NP_001026.2, residues 4812-4832): CYMFHMYVGV[Arg4822Leu]AGGGIGDEIE